The following is an entry in ClinVar:

ClinVar aggregate classification (germline): Uncertain significance (1 of 4 stars; one submission).

Conditions:
Hereditary cancer-predisposing syndrome. Also called: Hereditary Cancer Syndrome; Hereditary neoplastic syndrome; Neoplastic Syndromes, Hereditary; Tumor predisposition. Identifiers: Orphanet 140162, MedGen C0027672, MeSH D009386, MONDO:0015356.

Submission:

Ambry Genetics
Classification: Uncertain significance for Hereditary cancer-predisposing syndrome. Last evaluated: 2022-07-12. Review status: criteria provided, single submitter. Criteria: Ambry Variant Classification Scheme 2023. Collection method: clinical testing. Allele origin: germline.
Comment: The p.V501L variant (also known as c.1501G>T), located in coding exon 11 of the PMS2 gene, results from a G to T substitution at nucleotide position 1501. The valine at codon 501 is replaced by leucine, an amino acid with highly similar properties. This amino acid position is conserved. In addition, this alteration is predicted to be tolerated by in silico analysis. Since supporting evidence is limited at this time, the clinical significance of this alteration remains unclear.

NM_000535.7(PMS2):c.1501G>T (p.Val501Leu)

Gene: PMS2 (PMS1 homolog 2, mismatch repair system component; minus strand). Cytogenetic location: 7p22.1.
Variant type: single nucleotide variant.
Coding change: c.1501G>T on transcript NM_000535.7 (MANE Select); coding-DNA position 1501, G replaced by T.
Protein change: p.Val501Leu; replaces valine 501 with leucine.
Molecular consequence: missense variant. On other transcripts: non-coding transcript variant (1).
Genome position (GRCh38, 1-based): chr7:5,987,264, C>A on the plus strand (G>T on the coding strand, the complement: PMS2 is on the minus strand). VCF-style: chr7-5987264-C-A. GRCh37 (hg19) VCF-style: chr7-6026895-C-A.
Other names: c.1096G>T, p.Val366Leu (NM_001018040.1, NM_001322003.2, NM_001322004.2 and 17 more transcripts); c.1345G>T, p.Val449Leu (NM_001322006.2, NM_001406870.1); c.1183G>T, p.Val395Leu (NM_001322007.2, NM_001322008.2, NM_001406876.1 and 2 more transcripts); c.940G>T, p.Val314Leu (NM_001322010.2, NM_001406906.1, NM_001406907.1); c.568G>T, p.Val190Leu (NM_001322011.2, NM_001322012.2); c.928G>T, p.Val310Leu (NM_001322013.2, NM_001406909.1); c.1501G>T, p.Val501Leu (NM_001322014.2, NM_001406871.1, NM_001406872.1); c.1192G>T, p.Val398Leu (NM_001322015.2, NM_001406875.1, NM_001406877.1 and 5 more transcripts); and 12 more; short protein forms V190L, V343L, V389L, V395L, V398L, V435L, V509L, V244L.
Identifiers: ClinVar variation 1774029 (VCV001774029.2), dbSNP rs540287433, ClinGen allele CA366741759.